The following is an entry in ClinVar:

ClinVar aggregate classification (germline): Benign/Likely benign. Review status: criteria provided, multiple submitters, no conflicts (2 of 4 stars). 6 submissions from 6 submitters: Benign (1); Likely benign (5). Last evaluated 2026-08-02.

Conditions:
Peutz-Jeghers syndrome (PJS). Also called: Peutz-Jeghers polyposis; Periorificial lentiginosis syndrome; POLYPOSIS, HAMARTOMATOUS INTESTINAL; POLYPS-AND-SPOTS SYNDROME. Identifiers: Orphanet 2869, MedGen C0031269, MeSH D010580, MONDO:0008280, OMIM 175200.
STK11-related disorder. Also called: STK11-related condition.
Hereditary cancer-predisposing syndrome. Also called: Tumor predisposition; Hereditary Cancer Syndrome; Neoplastic Syndromes, Hereditary; Hereditary neoplastic syndrome. Identifiers: Orphanet 140162, MedGen C0027672, MeSH D009386, MONDO:0015356.

Submissions (6):

PreventionGenetics, part of Exact Sciences
Classification: Likely benign for STK11-related condition. Last evaluated: 2026-08-02. Review status: criteria provided, single submitter. Criteria: ACMG Guidelines, 2015. Collection method: clinical testing. Allele origin: germline.
Comment: This variant is classified as likely benign based on ACMG/AMP sequence variant interpretation guidelines (Richards et al. 2015 PMID: 25741868, with internal and published modifications).

Labcorp Genetics (formerly Invitae), Labcorp
Classification: Likely benign for Peutz-Jeghers syndrome. Last evaluated: 2026-01-16. Review status: criteria provided, single submitter. Criteria: Invitae Variant Classification Sherloc (09022015). Collection method: clinical testing. Allele origin: germline.

Myriad Genetics, Inc.
Classification: Benign for Peutz-Jeghers syndrome. Last evaluated: 2025-03-31. Review status: criteria provided, single submitter. Criteria: Myriad Autosomal Dominant, Autosomal Recessive and X-Linked Classification Criteria (2023). Collection method: clinical testing. Allele origin: unknown.
Comment: This variant is considered benign. This variant is a silent/synonymous amino acid change and it is not expected to impact splicing.

Center for Genomic Medicine, Rigshospitalet, Copenhagen University Hospital
Classification: Likely benign. Last evaluated: 2025-03-04. Review status: criteria provided, single submitter. Criteria: ACMG Guidelines, 2015. Collection method: clinical testing. Allele origin: germline.

Ambry Genetics
Classification: Likely benign for Hereditary cancer-predisposing syndrome. Last evaluated: 2024-11-14. Review status: criteria provided, single submitter. Criteria: Ambry Variant Classification Scheme 2023. Collection method: clinical testing. Allele origin: germline.

Blueprint Genetics
Classification: Likely benign. Last evaluated: 2022-07-18. Review status: criteria provided, single submitter. Criteria: ACMG Guidelines, 2015. Collection method: clinical testing. Allele origin: germline.

NM_000455.5(STK11):c.1260C>A (p.Ala420=)

Gene: STK11 (serine/threonine kinase 11; plus strand). Cytogenetic location: 19p13.3.
Variant type: single nucleotide variant.
Coding change: c.1260C>A on transcript NM_000455.5 (MANE Select); coding-DNA position 1260, C replaced by A.
Protein change: p.Ala420=; no amino-acid change (alanine 420 retained).
Molecular consequence: synonymous variant.
Genome position (GRCh38, 1-based): chr19:1,226,605, C>A. VCF-style: chr19-1226605-C-A. GRCh37 (hg19) VCF-style: chr19-1226604-C-A.
Other names: c.1260C>A (NM_000455.4).
Identifiers: ClinVar variation 1146011 (VCV001146011.14), dbSNP rs2145436473, ClinGen allele CA504708544.
Genomic context (GRCh38, chr19:1,226,605, plus strand): 5'-GAGCACCAAATCCAGGGCGGAGGGCCGGGCCCCCAACCCTGCCCGCAAGGCCTGCTCCGC[C>A]AGCAGCAAGATCCGCCGGCTGTCGGCCTGCAAGCAGCAGTGAGGCTGGCCGCCTGCAGGT-3'
Protein context (NP_000446.1, residues 410-430): APNPARKACS[Ala420=]SSKIRRLSAC